The following is an entry in ClinVar:

NM_001286.5(CLCN6):c.769C>A (p.Pro257Thr)

Gene: CLCN6 (Cl-/H+ antiporter 6; plus strand). Cytogenetic location: 1p36.22.
Variant type: single nucleotide variant.
Coding change: c.769C>A on transcript NM_001286.5 (MANE Select); coding-DNA position 769, C replaced by A.
Protein change: p.Pro257Thr; replaces proline 257 with threonine.
Molecular consequence: missense variant. On other transcripts: non-coding transcript variant (1).
Genome position (GRCh38, 1-based): chr1:11,827,150, C>A. VCF-style: chr1-11827150-C-A. GRCh37 (hg19) VCF-style: chr1-11887207-C-A.
Other names: c.703C>A, p.Pro235Thr (NM_001256959.2); short protein forms P235T, P257T.
Identifiers: ClinVar variation 1699264 (VCV001699264.3), dbSNP rs754881055, ClinGen allele CA338428775.
Genomic context (GRCh38, chr1:11,827,150, plus strand): 5'-GACAAGAGAGACTTTGTATCAGCAGGAGCGGCTGCTGGAGTTGCTGCAGCTTTCGGGGCG[C>A]CAATCGGGGGTACCTTGTTCAGTCTAGAGGAGGGTTCGTCCTTCTGGAACCAAGGGCTCA-3'
Protein context (NP_001277.2, residues 247-267): AAGVAAAFGA[Pro257Thr]IGGTLFSLEE

ClinVar aggregate classification (germline): Uncertain significance (1 of 4 stars; one submission).

Conditions:
Neuronal ceroid lipofuscinosis 15. Also called: Neurodegeneration, childhood-onset, hypotonia, respiratory insufficiency and brain imaging abnormalities; Neurodegeneration, childhood-onset, with hypotonia, respiratory insufficiency, and brain imaging abnormalities. Identifiers: Orphanet 610573, MedGen C5543020, MONDO:0030947, OMIM 619173.

Submission:

Victorian Clinical Genetics Services, Murdoch Childrens Research Institute
Classification: Uncertain significance for Neuronal ceroid lipofuscinosis 15. Last evaluated: 2022-02-02. Review status: criteria provided, single submitter. Criteria: ACMG Guidelines, 2015. Collection method: clinical testing. Allele origin: germline. Inheritance: Autosomal dominant inheritance. Affected: yes.
Comment: Based on the classification scheme VCGS_Germline_v1.3.4, this variant is classified as VUS-3A. Following criteria are met: 0101 - Gain of function is a known mechanism of disease in this gene and is associated with neurodegeneration, childhood-onset, hypotonia, respiratory insufficiency and brain imaging abnormalities (MIM#619173) (PMID: 33217309). (I) 0107 - This gene is associated with autosomal dominant disease. (I) 0200 - Variant is predicted to result in a missense amino acid change from proline to threonine. (I) 0251 - This variant is heterozygous. (I) 0301 - Variant is absent from gnomAD (both v2 and v3). (SP) 0309 - An alternative amino acid change at the same position has been observed in gnomAD (v2: 1 heterozygote, 0 homozygotes). (I) 0501 - Missense variant consistently predicted to be damaging by multiple in silico tools or highly conserved with a major amino acid change. (SP) 0600 - Variant is located in the annotated voltage gated CIC6-like chloride channel (DECIPHER, NCBI). (I) 0705 - No comparable missense variants have previous evidence for pathogenicity. (I) 0807 - This variant has no previous evidence of pathogenicity. (I) 0905 - No published segregation evidence has been identified for this variant. (I) 1007 - No published functional evidence has been identified for this variant. (SP) Legend: (SP) - Supporting pathogenic, (I) - Information, (SB) - Supporting benign

Literature cited by the submitters: PubMed 33217309.